The following is an entry in ClinVar:

ClinVar aggregate classification (germline): Likely benign. Review status: criteria provided, multiple submitters, no conflicts (2 of 4 stars). 4 submissions from 4 submitters: Likely benign (3). 1 of the submissions does not count toward it. Last evaluated 2025-11-13.

Conditions:
ABCG8-related disorder. Also called: ABCG8-related condition.
Cardiovascular phenotype. Identifiers: MedGen CN230736.

Allele frequency attached by ClinVar (database versions not stated): gnomAD 0.00003; gnomAD exomes 0.00004; TOPMed 0.00004; ExAC 0.00006.
gnomAD v4.1: 59 of 1,614,130 alleles (0.0037%); highest among the groups gnomAD compares: Middle Eastern, 0.016%; no homozygotes.

Submissions (4):

Labcorp Genetics (formerly Invitae), Labcorp
Classification: Likely benign. Last evaluated: 2025-11-13. Review status: criteria provided, single submitter. Criteria: Invitae Variant Classification Sherloc (09022015). Collection method: clinical testing. Allele origin: germline.

Blueprint Genetics
Classification: Likely benign. Last evaluated: 2024-09-07. Review status: criteria provided, single submitter. Criteria: ACMG Guidelines, 2015. Collection method: clinical testing. Allele origin: germline.

Ambry Genetics
Classification: Likely benign for Cardiovascular phenotype. Last evaluated: 2019-07-14. Review status: criteria provided, single submitter. Criteria: Ambry Variant Classification Scheme 2023. Collection method: clinical testing. Allele origin: germline.

PreventionGenetics, part of Exact Sciences
Classification: Likely benign for ABCG8-related condition. Last evaluated: 2023-05-16. Review status: no assertion criteria provided. Collection method: clinical testing. Allele origin: germline. Not counted in ClinVar's aggregate classification.
Comment: This variant is classified as likely benign based on ACMG/AMP sequence variant interpretation guidelines (Richards et al. 2015 PMID: 25741868, with internal and published modifications).

NM_022437.3(ABCG8):c.381C>T (p.Ile127=)

Gene: ABCG8 (ATP binding cassette subfamily G member 8; plus strand). Cytogenetic location: 2p21.
Variant type: single nucleotide variant.
Coding change: c.381C>T on transcript NM_022437.3 (MANE Select); coding-DNA position 381, C replaced by T.
Protein change: p.Ile127=; no amino-acid change (isoleucine 127 retained).
Molecular consequence: synonymous variant.
Genome position (GRCh38, 1-based): chr2:43,851,642, C>T. VCF-style: chr2-43851642-C-T. GRCh37 (hg19) VCF-style: chr2-44078781-C-T.
Other names: c.381C>T, p.Ile127= (NM_001357321.2).
Identifiers: ClinVar variation 1592889 (VCV001592889.13), dbSNP rs759080514, ClinGen allele CA1637002.